The following is an entry in ClinVar:

ClinVar aggregate classification (germline): Uncertain significance (1 of 4 stars; one submission).

Conditions:
Holoprosencephaly 11 (HPE11). Identifiers: Orphanet 2162, MedGen C3280215, MONDO:0013642, OMIM 614226.

gnomAD v4.1: 1 of 1,613,176 alleles (0.000062%); highest among the groups gnomAD compares: East Asian, 0.0022%; no homozygotes.

Submission:

Labcorp Genetics (formerly Invitae), Labcorp
Classification: Uncertain significance for Holoprosencephaly 11. Last evaluated: 2025-08-05. Review status: criteria provided, single submitter. Criteria: Invitae Variant Classification Sherloc (09022015). Collection method: clinical testing. Allele origin: germline.
Comment: This sequence change replaces isoleucine, which is neutral and non-polar, with threonine, which is neutral and polar, at codon 1221 of the CDON protein (p.Ile1221Thr). This variant is not present in population databases (gnomAD no frequency). This variant has not been reported in the literature in individuals affected with CDON-related conditions. Invitae Evidence Modeling of protein sequence and biophysical properties (such as structural, functional, and spatial information, amino acid conservation, physicochemical variation, residue mobility, and thermodynamic stability) indicates that this missense variant is not expected to disrupt CDON protein function with a negative predictive value of 80%. In summary, the available evidence is currently insufficient to determine the role of this variant in disease. Therefore, it has been classified as a Variant of Uncertain Significance.

NM_001378964.1(CDON):c.3662T>C (p.Ile1221Thr)

Gene: CDON (cell adhesion associated, oncogene regulated; minus strand). Cytogenetic location: 11q24.2.
Variant type: single nucleotide variant.
Coding change: c.3662T>C on transcript NM_001378964.1 (MANE Select); coding-DNA position 3662, T replaced by C.
Protein change: p.Ile1221Thr; replaces isoleucine 1221 with threonine.
Molecular consequence: missense variant.
Genome position (GRCh38, 1-based): chr11:125,961,075, A>G on the plus strand (T>C on the coding strand, the complement: CDON is on the minus strand). VCF-style: chr11-125961075-A-G. GRCh37 (hg19) VCF-style: chr11-125830970-A-G.
Other names: c.3731T>C, p.Ile1244Thr (NM_001243597.3, NM_001441161.1, NM_001441162.1); c.3662T>C, p.Ile1221Thr (NM_001441163.1, NM_001441164.1, NM_001441165.1 and 2 more transcripts); short protein forms I1244T, I1221T.
Identifiers: ClinVar variation 4750101 (VCV004750101.1).